The following is an entry in ClinVar:

NM_182914.3(SYNE2):c.11835T>G (p.Ala3945=)

Gene: SYNE2 (spectrin repeat containing nuclear envelope protein 2; plus strand). Cytogenetic location: 14q23.2.
Variant type: single nucleotide variant.
Coding change: c.11835T>G on transcript NM_182914.3 (MANE Select); coding-DNA position 11835, T replaced by G.
Protein change: p.Ala3945=; no amino-acid change (alanine 3945 retained).
Molecular consequence: synonymous variant.
Genome position (GRCh38, 1-based): chr14:64,090,907, T>G. VCF-style: chr14-64090907-T-G. GRCh37 (hg19) VCF-style: chr14-64557625-T-G.
Other names: c.11835T>G, p.Ala3945= (NM_015180.6).
Identifiers: ClinVar variation 2644293 (VCV002644293.24), dbSNP rs2548740355, ClinGen allele CA486704153.

ClinVar aggregate classification (germline): Likely benign (1 of 4 stars; one submission).

Submission:

CeGaT Center for Human Genetics Tuebingen
Classification: Likely benign. Last evaluated: 2022-12-01. Review status: criteria provided, single submitter. Criteria: CeGaT Center For Human Genetics Tuebingen Variant Classification Criteria Version 2. Collection method: clinical testing. Allele origin: germline. Affected: yes. Observed: 1 variant allele.
Comment: SYNE2: PM2:Supporting, BP4, BP7